The following is an entry in ClinVar:

NM_014425.5(INVS):c.2776G>A (p.Ala926Thr)

Gene: INVS (inversin; plus strand). Cytogenetic location: 9q31.1.
Variant type: single nucleotide variant.
Coding change: c.2776G>A on transcript NM_014425.5 (MANE Select); coding-DNA position 2776, G replaced by A.
Protein change: p.Ala926Thr; replaces alanine 926 with threonine.
Molecular consequence: missense variant. On other transcripts: non-coding transcript variant (1).
Genome position (GRCh38, 1-based): chr9:100,293,033, G>A. VCF-style: chr9-100293033-G-A. GRCh37 (hg19) VCF-style: chr9-103055315-G-A.
Other names: c.2488G>A, p.Ala830Thr (NM_001318381.2); c.1798G>A, p.Ala600Thr (NM_001318382.2); c.2776G>A (NM_014425.2, NM_014425.4); short protein forms A926T, A600T, A830T.
Identifiers: ClinVar variation 194408 (VCV000194408.22), dbSNP rs374891838, ClinGen allele CA240336.
Genomic context (GRCh38, chr9:100,293,033, plus strand): 5'-GAACGAAGGAGGAAGGAGCTGTTTCGCAAAAAGAACAAGGCAGCAGCAGTCATCCAGCGC[G>A]CCTGGCGAAGGTAGGAAAATGGGGTGCTGCCGCATCTGTGGTTCTTTGTTACTGATATTC-3'
Protein context (NP_055240.2, residues 916-936): KNKAAAVIQR[Ala926Thr]WRSYQLRKHL

ClinVar aggregate classification (germline): Uncertain significance. Review status: criteria provided, multiple submitters, no conflicts (2 of 4 stars). 7 submissions from 7 submitters: Uncertain significance (7). Last evaluated 2025-08-24.

Conditions:
INVS-related disorder. Also called: INVS-related condition.
Inborn genetic diseases. Identifiers: MedGen C0950123, MeSH D030342.
Nephronophthisis. Also called: Juvenile Nephronophthisis. Identifiers: Orphanet 655, MedGen C0687120, MONDO:0019005, HP:0000090.
Infantile nephronophthisis (NPHP2). Also called: Nephronophthisis 2, infantile; Nephronophthisis 2. Identifiers: Orphanet 655, Orphanet 93591, MedGen C1865872, MONDO:0011190, OMIM 602088.

Allele frequency attached by ClinVar (database versions not stated): ExAC 0.00009; gnomAD exomes 0.00010 and 0.00015; gnomAD 0.00012 and 0.00013; TOPMed 0.00016; ESP Exome Variant Server 0.00023.
gnomAD v4.1: 242 of 1,613,510 alleles (0.015%); highest among the groups gnomAD compares: Admixed American, 0.023%; no homozygotes.

Submissions (7):

Ambry Genetics
Classification: Uncertain significance for Inborn genetic diseases. Last evaluated: 2025-08-24. Review status: criteria provided, single submitter. Criteria: Ambry Variant Classification Scheme 2023. Collection method: clinical testing. Allele origin: germline.

PreventionGenetics, part of Exact Sciences
Classification: Uncertain significance for INVS-related condition. Last evaluated: 2025-07-14. Review status: criteria provided, single submitter. Criteria: ACMG Guidelines, 2015. Collection method: clinical testing. Allele origin: germline.
Comment: The INVS c.2776G>A variant is predicted to result in the amino acid substitution p.Ala926Thr. To our knowledge, this variant has not been reported in the literature. This variant is reported in 0.023% of alleles in individuals of Latino descent in gnomAD. At this time, the clinical significance of this variant is uncertain due to the absence of conclusive functional and genetic evidence.

GeneDx
Classification: Uncertain significance. Last evaluated: 2024-10-24. Review status: criteria provided, single submitter. Criteria: GeneDx Variant Classification Process June 2021. Collection method: clinical testing. Allele origin: germline. Affected: yes.
Comment: In silico analysis indicates that this missense variant does not alter protein structure/function; Has not been previously published as pathogenic or benign to our knowledge

Fulgent Genetics
Classification: Uncertain significance for Infantile nephronophthisis. Last evaluated: 2024-05-13. Review status: criteria provided, single submitter. Criteria: ACMG Guidelines, 2015. Collection method: clinical testing. Allele origin: germline.

Labcorp Genetics (formerly Invitae), Labcorp
Classification: Uncertain significance for Nephronophthisis. Last evaluated: 2022-10-24. Review status: criteria provided, single submitter. Criteria: Invitae Variant Classification Sherloc (09022015). Collection method: clinical testing. Allele origin: germline.
Comment: This sequence change replaces alanine, which is neutral and non-polar, with threonine, which is neutral and polar, at codon 926 of the INVS protein (p.Ala926Thr). This variant is present in population databases (rs374891838, gnomAD 0.02%). This variant has not been reported in the literature in individuals affected with INVS-related conditions. ClinVar contains an entry for this variant (Variation ID: 194408). Algorithms developed to predict the effect of missense changes on protein structure and function (SIFT, PolyPhen-2, Align-GVGD) all suggest that this variant is likely to be tolerated. In summary, the available evidence is currently insufficient to determine the role of this variant in disease. Therefore, it has been classified as a Variant of Uncertain Significance.

Illumina Laboratory Services, Illumina
Classification: Uncertain significance for Infantile nephronophthisis. Last evaluated: 2018-01-12. Review status: criteria provided, single submitter. Criteria: ICSL Variant Classification Criteria 13 December 2019. Collection method: clinical testing. Allele origin: germline.

Eurofins Ntd Llc (ga)
Classification: Uncertain significance. Last evaluated: 2017-10-04. Review status: criteria provided, single submitter. Criteria: EGL Classification Definitions 2015. Collection method: clinical testing. Allele origin: germline. Observed: 2 variant alleles, 2 heterozygotes.